The following is an entry in ClinVar:

ClinVar aggregate classification (germline): Likely pathogenic (1 of 4 stars; one submission).

Conditions:
Smith-Lemli-Opitz syndrome (SLOS). Also called: LETHAL ACRODYSGENITAL SYNDROME; POLYDACTYLY, SEX REVERSAL, RENAL HYPOPLASIA, AND UNILOBAR LUNG; RSH SYNDROME; RUTLEDGE LETHAL MULTIPLE CONGENITAL ANOMALY SYNDROME; 7-Dehydrocholesterol reductase deficiency. Identifiers: Orphanet 818, MedGen C0175694, MONDO:0010035, OMIM 270400.

Submission:

Natera, Inc.
Classification: Likely pathogenic for Smith-Lemli-Opitz syndrome. Last evaluated: 2024-12-17. Review status: criteria provided, single submitter. Criteria: Natera Variant Classification Schema (03/2026). Collection method: clinical testing. Allele origin: germline.
Comment: The c.438_439insC variant in DHCR7 is a frameshift variant predicted to shift the reading frame beginning at codon 147 and leads to a stop codon 80 codons downstream. This variant is expected to result in nonsense mediated decay, truncation, or a dysfunctional protein product. This variant is rare in the general population with a frequency below the threshold expected for the associated phenotype(s). Given the available evidence, this variant is classified as Likely Pathogenic.

NM_001360.3(DHCR7):c.438_439insC (p.Gly147fs)

Gene: DHCR7 (7-dehydrocholesterol reductase; minus strand). Cytogenetic location: 11q13.4.
Variant type: Insertion.
Coding change: c.438_439insC on transcript NM_001360.3 (MANE Select); coding-DNA positions 438 to 439, C inserted.
Protein change: p.Gly147fs; shifts the reading frame from glycine 147.
Molecular consequence: frameshift variant.
Genome position: GRCh38 VCF-style: chr11-71441414-C-CG. GRCh37 (hg19) VCF-style: chr11-71152460-C-CG.
Other names: c.438_439insC, p.Gly147fs (NM_001163817.2, NM_001425107.1, NM_001425109.1 and 7 more transcripts); c.474_475insC, p.Gly159fs (NM_001425108.1); c.378_379insC, p.Gly127fs (NM_001425113.1); c.342_343insC, p.Gly115fs (NM_001425114.1, NM_001425116.1); c.264_265insC, p.Gly89fs (NM_001425117.1); short protein forms G115fs, G127fs, G147fs, G159fs, G89fs.
Identifiers: ClinVar variation 4814827 (VCV004814827.1).